The following is an entry in ClinVar:

NM_001083614.2(EARS2):c.14T>C (p.Leu5Pro)

Gene: EARS2 (glutamyl-tRNA synthetase 2, mitochondrial; minus strand). Cytogenetic location: 16p12.2.
Variant type: single nucleotide variant.
Coding change: c.14T>C on transcript NM_001083614.2 (MANE Select); coding-DNA position 14, T replaced by C.
Protein change: p.Leu5Pro; replaces leucine 5 with proline.
Molecular consequence: missense variant. On other transcripts: non-coding transcript variant (1).
Genome position (GRCh38, 1-based): chr16:23,557,330, A>G on the plus strand (T>C on the coding strand, the complement: EARS2 is on the minus strand). VCF-style: chr16-23557330-A-G. GRCh37 (hg19) VCF-style: chr16-23568651-A-G.
Other names: c.14T>C, p.Leu5Pro (NM_001308211.1); short protein forms L5P.
Identifiers: ClinVar variation 3359280 (VCV003359280.1).
Genomic context (GRCh38, chr16:23,557,330, plus strand): 5'-CGCCGTCCTACGGGGCGGCCAGAGGCCGCCGAAGGCCTCTCGCGCTGCAGCAGTCTCCTC[A>G]GGAGCGCCGCCATGTGGGATGGAATAGCACACGTGGGCTTCTCCCTGCGTCACTTCCGGG-3'
Protein context (NP_001077083.1, residues 1-15): MAAL[Leu5Pro]RRLLQRERPS

ClinVar aggregate classification (germline): Uncertain significance (1 of 4 stars; one submission).

gnomAD v4.1: 11 of 1,548,422 alleles (0.00071%); highest among the groups gnomAD compares: African/African-American, 0.0081%; no homozygotes.

Submission:

GeneDx
Classification: Uncertain significance. Last evaluated: 2023-05-30. Review status: criteria provided, single submitter. Criteria: GeneDx Variant Classification Process June 2021. Collection method: clinical testing. Allele origin: germline. Affected: yes.
Comment: In silico analysis supports that this missense variant does not alter protein structure/function; Has not been previously published as pathogenic or benign to our knowledge